The following is an entry in ClinVar:

ClinVar aggregate classification (germline): Pathogenic/Likely pathogenic. Review status: criteria provided, multiple submitters, no conflicts (2 of 4 stars). 2 submissions from 2 submitters: Pathogenic (1); Likely pathogenic (1). Last evaluated 2025-05-05.

Conditions:
Autosomal recessive nonsyndromic hearing loss 77. Identifiers: Orphanet 90636, MedGen C2746083, MONDO:0013119, OMIM 613079.

Submissions (2):

Natera, Inc.
Classification: Likely pathogenic for Autosomal recessive deafness type 77. Last evaluated: 2025-05-05. Review status: criteria provided, single submitter. Criteria: Natera Variant Classification Schema (03/2026). Collection method: clinical testing. Allele origin: germline.
Comment: The c.5427_5428del variant in LOXHD1 is a frameshift variant predicted to shift the reading frame beginning at codon 1809 and leads to a stop codon 7 codons downstream. This variant is expected to result in nonsense mediated decay, truncation, or a dysfunctional protein product. This variant is rare in the general population with a frequency below the threshold expected for the associated phenotype(s). Given the available evidence, this variant is classified as Likely Pathogenic.

Labcorp Genetics (formerly Invitae), Labcorp
Classification: Pathogenic. Last evaluated: 2023-08-10. Review status: criteria provided, single submitter. Criteria: Invitae Variant Classification Sherloc (09022015). Collection method: clinical testing. Allele origin: germline.
Comment: This variant is not present in population databases (gnomAD no frequency). This sequence change creates a premature translational stop signal (p.Glu1809Aspfs*7) in the LOXHD1 gene. It is expected to result in an absent or disrupted protein product. Loss-of-function variants in LOXHD1 are known to be pathogenic (PMID: 19732867, 21465660, 25792669). This variant has not been reported in the literature in individuals affected with LOXHD1-related conditions. ClinVar contains an entry for this variant (Variation ID: 1072654). For these reasons, this variant has been classified as Pathogenic.

Literature cited by the submitters: PubMed 19732867 (cited by Labcorp Genetics (formerly Invitae), Labcorp); PubMed 21465660 (cited by Labcorp Genetics (formerly Invitae), Labcorp); PubMed 25792669 (cited by Labcorp Genetics (formerly Invitae), Labcorp).

NM_001384474.1(LOXHD1):c.5613_5614del (p.Glu1871fs)

Gene: LOXHD1 (lipoxygenase homology PLAT domains 1; minus strand). Cytogenetic location: 18q21.1.
Variant type: Deletion.
Coding change: c.5613_5614del on transcript NM_001384474.1 (MANE Select); coding-DNA positions 5613 to 5614, 2 bases deleted (AA; older notation c.5613_5614delAA).
Protein change: p.Glu1871fs; shifts the reading frame from glutamic acid 1871.
Molecular consequence: frameshift variant.
Genome position (GRCh38, 1-based): chr18:46,507,616-46,507,617, TT deleted on the plus strand (AA on the coding strand, the reverse complement: LOXHD1 is on the minus strand); deleting any 2 consecutive bases within chr18:46,507,616-46,507,618 gives the same sequence; the c. name uses the placement nearest the transcript's 3' end. VCF-style (leftmost placement, unchanged base first): chr18-46507615-ATT-A. GRCh37 (hg19) VCF-style: chr18-44087578-ATT-A.
Other names: c.5427_5428del (NM_144612.6); c.2280_2281del, p.Glu760fs (NM_001145472.3); c.330_331del, p.Glu110fs (NM_001145473.3, NM_001173129.2); c.1992_1993del, p.Glu664fs (NM_001308013.2); c.5427_5428del, p.Glu1809fs (NM_144612.7); short protein forms E110fs, E1809fs, E1871fs, E664fs, E760fs.
Identifiers: ClinVar variation 1072654 (VCV001072654.9), dbSNP rs2143918072, ClinGen allele CA2499225154.